The following is an entry in ClinVar:

ClinVar aggregate classification (germline): Likely pathogenic (1 of 4 stars; one submission).

Conditions:
Osteogenesis imperfecta (OI). Identifiers: Orphanet 666, MedGen C0029434, MeSH D010013, MONDO:0019019.

Submission:

Women's Health and Genetics/Laboratory Corporation of America, LabCorp
Classification: Likely pathogenic for Osteogenesis Imperfecta. Last evaluated: 2011-08-18. Review status: criteria provided, single submitter. Criteria: LabCorp Variant Classification Summary - May 2015. Collection method: curation, clinical testing. Allele origin: germline. Inheritance: autosomal unknown. Affected: yes.
ClinVar note: Converted during submission from likely pathogenic to Likely pathogenic.

NM_000088.4(COL1A1):c.1235C>G (p.Pro412Arg)

Gene: COL1A1 (collagen type I alpha 1 chain; minus strand). Cytogenetic location: 17q21.33.
Variant type: single nucleotide variant.
Coding change: c.1235C>G on transcript NM_000088.4 (MANE Select); coding-DNA position 1235, C replaced by G.
Protein change: p.Pro412Arg; replaces proline 412 with arginine.
Molecular consequence: missense variant.
Genome position (GRCh38, 1-based): chr17:50,195,296, G>C on the plus strand (C>G on the coding strand, the complement: COL1A1 is on the minus strand). VCF-style: chr17-50195296-G-C. GRCh37 (hg19) VCF-style: chr17-48272657-G-C.
Other names: short protein forms P412R.
Identifiers: ClinVar variation 35899 (VCV000035899.3), dbSNP rs193922138, ClinGen allele CA260271.